The following is an entry in ClinVar:

NM_001323289.2(CDKL5):c.1883del (p.Ser628fs)

Gene: CDKL5 (cyclin dependent kinase like 5; plus strand). Cytogenetic location: Xp22.13.
Variant type: Deletion.
Coding change: c.1883del on transcript NM_001323289.2 (MANE Select); coding-DNA position 1883, one base deleted (G; older notation c.1883delG).
Protein change: p.Ser628fs; shifts the reading frame from serine 628.
Molecular consequence: frameshift variant.
Genome position (GRCh38, 1-based): chrX:18,604,807, G deleted. VCF-style (leftmost placement, unchanged base first): chrX-18604806-AG-A. GRCh37 (hg19) VCF-style: chrX-18622926-AG-A.
Other names: c.1883del, p.Ser628fs (NM_001037343.2, NM_003159.3); short protein forms S628fs.
Identifiers: ClinVar variation 840609 (VCV000840609.8), dbSNP rs1926305134, ClinGen allele CA916083845.

ClinVar aggregate classification (germline): Pathogenic (1 of 4 stars; one submission).

Conditions:
Developmental and epileptic encephalopathy, 2 (DEE2). Also called: INFANTILE SPASM SYNDROME, X-LINKED 2; CDKL5 deficiency disorder. Identifiers: Orphanet 1934, Orphanet 3451, Orphanet 505652, MedGen C4750718, MONDO:0010396, OMIM 300672.
Angelman syndrome-like. Identifiers: MedGen CN128785.

Submission:

Labcorp Genetics (formerly Invitae), Labcorp
Classification: Pathogenic for Developmental and epileptic encephalopathy, 2; Angelman syndrome-like. Last evaluated: 2019-01-26. Review status: criteria provided, single submitter. Criteria: Invitae Variant Classification Sherloc (09022015). Collection method: clinical testing. Allele origin: germline.
Comment: This sequence change creates a premature translational stop signal (p.Ser628Thrfs*2) in the CDKL5 gene. It is expected to result in an absent or disrupted protein product. This variant is not present in population databases (ExAC no frequency). This variant has not been reported in the literature in individuals with CDKL5-related conditions. Loss-of-function variants in CDKL5 are known to be pathogenic (PMID: 22872100). For these reasons, this variant has been classified as Pathogenic.

Literature cited by the submitters: PubMed 22872100.